The following is an entry in ClinVar:

ClinVar aggregate classification (germline): Uncertain significance (1 of 4 stars; one submission).

Conditions:
Pitt-Hopkins syndrome (PTHS). Also called: ENCEPHALOPATHY, SEVERE EPILEPTIC, WITH AUTONOMIC DYSFUNCTION; MENTAL RETARDATION, SYNDROMAL, WITH INTERMITTENT HYPERVENTILATION. Identifiers: Orphanet 2896, MedGen C1970431, MONDO:0012589, OMIM 610954.

Submission:

Labcorp Genetics (formerly Invitae), Labcorp
Classification: Uncertain significance for Pitt-Hopkins syndrome. Last evaluated: 2025-03-19. Review status: criteria provided, single submitter. Criteria: Invitae Variant Classification Sherloc (09022015). Collection method: clinical testing. Allele origin: germline.
Comment: This sequence change replaces proline, which is neutral and non-polar, with leucine, which is neutral and non-polar, at codon 236 of the TCF4 protein (p.Pro236Leu). This variant is not present in population databases (gnomAD no frequency). This missense change has been observed in individual(s) with seizures (PMID: 26993267). Invitae Evidence Modeling of protein sequence and biophysical properties (such as structural, functional, and spatial information, amino acid conservation, physicochemical variation, residue mobility, and thermodynamic stability) indicates that this missense variant is not expected to disrupt TCF4 protein function with a negative predictive value of 95%. In summary, the available evidence is currently insufficient to determine the role of this variant in disease. Therefore, it has been classified as a Variant of Uncertain Significance.

Literature cited by the submitters: PubMed 26993267.

NM_001083962.2(TCF4):c.707C>T (p.Pro236Leu)

Gene: TCF4 (transcription factor 4; minus strand). Cytogenetic location: 18q21.2.
Variant type: single nucleotide variant.
Coding change: c.707C>T on transcript NM_001083962.2 (MANE Select); coding-DNA position 707, C replaced by T.
Protein change: p.Pro236Leu; replaces proline 236 with leucine.
Molecular consequence: missense variant.
Genome position (GRCh38, 1-based): chr18:55,275,701, G>A on the plus strand (C>T on the coding strand, the complement: TCF4 is on the minus strand). VCF-style: chr18-55275701-G-A. GRCh37 (hg19) VCF-style: chr18-52942932-G-A.
Other names: c.227C>T, p.Pro76Leu (NM_001243234.2, NM_001243235.2, NM_001243236.2 and 2 more transcripts); c.635C>T, p.Pro212Leu (NM_001306207.1, NM_001348217.1, NM_001348218.2 and 9 more transcripts); c.494C>T, p.Pro165Leu (NM_001306208.1, NM_001243232.1); c.707C>T, p.Pro236Leu (NM_001330604.3, NM_003199.3, NM_001369567.1 and 4 more transcripts); c.317C>T, p.Pro106Leu (NM_001330605.3, NM_001348212.2, NM_001348213.2 and 1 more transcripts); c.581C>T, p.Pro194Leu (NM_001348211.2, NM_001243231.2); c.59C>T, p.Pro20Leu (NM_001348215.2); c.632C>T, p.Pro211Leu (NM_001348220.1, NM_001369578.1, NM_001369581.1 and 3 more transcripts); and 4 more; short protein forms P212L, P234L, P76L, P106L, P20L, P211L, P338L, P165L.
Identifiers: ClinVar variation 4759545 (VCV004759545.1).